The following is an entry in ClinVar:

ClinVar aggregate classification (germline): Likely benign. Review status: criteria provided, multiple submitters, no conflicts (2 of 4 stars). 2 submissions from 2 submitters: Likely benign (2). Last evaluated 2013-12-18.

Submissions (2):

GeneDx
Classification: Likely benign. Last evaluated: 2013-12-18. Review status: criteria provided, single submitter. Criteria: GeneDx Variant Classification (06012015). Collection method: clinical testing. Allele origin: germline. Affected: yes.
Comment: This variant is considered likely benign or benign based on one or more of the following criteria: it is a conservative change, it occurs at a poorly conserved position in the protein, it is predicted to be benign by multiple in silico algorithms, and/or has population frequency not consistent with disease.

Breakthrough Genomics
Classification: Likely benign. Review status: criteria provided, single submitter. Criteria: ACMG Guidelines, 2015. Collection method: not provided. Allele origin: germline. Inheritance: Autosomal dominant inheritance. Affected: yes.

NM_001999.4(FBN2):c.973A>G (p.Ile325Val)

Gene: FBN2 (fibrillin 2; minus strand). Cytogenetic location: 5q23.3.
Variant type: single nucleotide variant.
Coding change: c.973A>G on transcript NM_001999.4 (MANE Select); coding-DNA position 973, A replaced by G.
Protein change: p.Ile325Val; replaces isoleucine 325 with valine.
Molecular consequence: missense variant.
Genome position (GRCh38, 1-based): chr5:128,408,779, T>C on the plus strand (A>G on the coding strand, the complement: FBN2 is on the minus strand). VCF-style: chr5-128408779-T-C. GRCh37 (hg19) VCF-style: chr5-127744472-T-C.
Other names: short protein forms I325V.
Identifiers: ClinVar variation 213221 (VCV000213221.2), dbSNP rs748879016, ClinGen allele CA321933.